The following is an entry in ClinVar:

NM_007294.4(BRCA1):c.5409T>A (p.Gly1803=)

Gene: BRCA1 (BRCA1 DNA repair associated; minus strand). Cytogenetic location: 17q21.31.
Variant type: single nucleotide variant.
Coding change: c.5409T>A on transcript NM_007294.4 (MANE Select); coding-DNA position 5409, T replaced by A.
Protein change: p.Gly1803=; no amino-acid change (glycine 1803 retained).
Molecular consequence: synonymous variant. On other transcripts: missense variant (17).
Genome position (GRCh38, 1-based): chr17:43,047,701, A>T on the plus strand (T>A on the coding strand, the complement: BRCA1 is on the minus strand). VCF-style: chr17-43047701-A-T. GRCh37 (hg19) VCF-style: chr17-41199718-A-T.
Other names: c.5196T>A, p.Gly1732= (NM_001407571.1, NM_001407898.1, NM_001407899.1 and 12 more transcripts); c.5475T>A, p.Gly1825= (NM_001407581.1, NM_001407582.1); c.5472T>A, p.Gly1824= (NM_001407583.1, NM_001407585.1, NM_001407587.1 and 1 more transcripts); c.5469T>A, p.Gly1823= (NM_001407590.1, NM_001407591.1); c.5409T>A, p.Gly1803= (NM_001407593.1, NM_001407594.1, NM_001407596.1 and 5 more transcripts); c.5406T>A, p.Gly1802= (NM_001407610.1, NM_001407611.1, NM_001407612.1 and 14 more transcripts); c.5403T>A, p.Gly1801= (NM_001407627.1, NM_001407628.1, NM_001407629.1 and 13 more transcripts); c.5400T>A, p.Gly1800= (NM_001407644.1, NM_001407645.1); and 83 more; short protein forms C675S, C1736S, C1777S, C674S, C1779S, C1731S, C1737S, C1738S.
Identifiers: ClinVar variation 868462 (VCV000868462.3), dbSNP rs2050995166, ClinGen allele CA10590652.

Conditions:
Breast-ovarian cancer, familial, susceptibility to, 1 (BROVCA1). Also called: BRCA1 Hereditary Breast and Ovarian Cancer; OVARIAN CANCER, SUSCEPTIBILITY TO. Identifiers: Orphanet 145, MedGen C2676676, MONDO:0011450, OMIM 604370. Disease mechanism: loss of function.

Submission:

Brotman Baty Institute, University of Washington
No classification provided (evidence only). Condition: Breast-ovarian cancer, familial 1. Review status: no classification provided. Collection method: in vitro. Allele origin: not applicable. Functional consequence: functionally_normal.
ClinVar note: "not provided" was previously submitted as the classification for the variant. However, the classification appeared to be based only on an observation of functional data so it was converted to no classification on 2025-07-30.